The following is an entry in ClinVar:

ClinVar aggregate classification (germline): Pathogenic/Likely pathogenic. Review status: criteria provided, multiple submitters, no conflicts (2 of 4 stars). 2 submissions from 2 submitters: Pathogenic (1); Likely pathogenic (1). Last evaluated 2024-02-07.

Conditions:
Ellis-van Creveld syndrome (EVC). Also called: EVC-Related Ellis-van Creveld Syndrome; EVC2-Related Ellis-van Creveld Syndrome; MESOECTODERMAL DYSPLASIA; Chondroectodermal dysplasia. Identifiers: Orphanet 289, MedGen C0013903, MONDO:0009162, OMIM 225500.
Curry-Hall syndrome (WAD). Also called: WEYERS ACRODENTAL DYSOSTOSIS. Identifiers: Orphanet 952, MedGen C0457013, MONDO:0008673, OMIM 193530.

Allele frequency attached by ClinVar (database versions not stated): gnomAD exomes below 0.00001.

Submissions (2):

Fulgent Genetics
Classification: Likely pathogenic for Curry-Hall syndrome; Ellis-van Creveld syndrome. Last evaluated: 2024-02-07. Review status: criteria provided, single submitter. Criteria: ACMG Guidelines, 2015. Collection method: clinical testing. Allele origin: germline.

Labcorp Genetics (formerly Invitae), Labcorp
Classification: Pathogenic for Curry-Hall syndrome; Ellis-van Creveld syndrome. Last evaluated: 2023-09-21. Review status: criteria provided, single submitter. Criteria: Invitae Variant Classification Sherloc (09022015). Collection method: clinical testing. Allele origin: germline.
Comment: For these reasons, this variant has been classified as Pathogenic. ClinVar contains an entry for this variant (Variation ID: 1458800). This variant is also known as c.2019insT. This premature translational stop signal has been observed in individual(s) with Ellis van-Creveld syndrome (PMID: 17024374). This variant is not present in population databases (gnomAD no frequency). This sequence change creates a premature translational stop signal (p.Lys674*) in the EVC2 gene. It is expected to result in an absent or disrupted protein product. Loss-of-function variants in EVC2 are known to be pathogenic (PMID: 17024374, 19810119, 19876929).

Literature cited by the submitters: PubMed 17024374 (cited by Labcorp Genetics (formerly Invitae), Labcorp); PubMed 19810119 (cited by Labcorp Genetics (formerly Invitae), Labcorp); PubMed 19876929 (cited by Labcorp Genetics (formerly Invitae), Labcorp).

NM_147127.5(EVC2):c.2019dup (p.Lys674Ter)

Gene: EVC2 (EvC ciliary complex subunit 2; minus strand). Cytogenetic location: 4p16.2.
Variant type: Duplication.
Coding change: c.2019dup on transcript NM_147127.5 (MANE Select); coding-DNA position 2019, one base duplicated (T; older notation c.2019dupT).
Protein change: p.Lys674Ter; replaces lysine 674 with a stop codon.
Molecular consequence: nonsense.
Genome position (GRCh38, 1-based): chr4:5,625,776, A duplicated on the plus strand (T on the coding strand, the reverse complement: EVC2 is on the minus strand). VCF-style (leftmost placement, unchanged base first): chr4-5625775-T-TA. GRCh37 (hg19) VCF-style: chr4-5627502-T-TA.
Other names: c.1779dup, p.Lys594Ter (NM_001166136.2); short protein forms K594*, K674*.
Identifiers: ClinVar variation 1458800 (VCV001458800.8), dbSNP rs2108843158, ClinGen allele CA2573138246.